The following is an entry in ClinVar:

ClinVar aggregate classification (germline): Likely pathogenic. Review status: criteria provided, multiple submitters, no conflicts (2 of 4 stars). 2 submissions from 2 submitters: Likely pathogenic (2). Last evaluated 2024-10-09.

Conditions:
Intellectual developmental disorder, autosomal recessive 81 (MRT81). Identifiers: MedGen C5882758, MONDO:0958204, OMIM 620700.

Allele frequency attached by ClinVar (database versions not stated): TOPMed below 0.00001.

Submissions (2):

Women's Health and Genetics/Laboratory Corporation of America, LabCorp
Classification: Likely pathogenic for Intellectual developmental disorder, autosomal recessive 81. Last evaluated: 2024-10-09. Review status: criteria provided, single submitter. Criteria: LabCorp Variant Classification Summary - May 2015. Collection method: clinical testing. Allele origin: germline.
Comment: Variant summary: ASCC3 c.1597-2A>G is located in a canonical splice-site and is predicted to affect mRNA splicing resulting in a significantly altered protein due to either exon skipping, shortening, or inclusion of intronic material. Variants that disrupt the consensus splice site are a cause of aberrant splicing and loss of ASCC3 function. Several computational tools predict a significant impact on normal splicing: Four predict the variant abolishes a canonical 3' acceptor site. However, these predictions have yet to be confirmed by functional studies. The variant was absent in 251156 control chromosomes (gnomAD). To our knowledge, no occurrence of c.1597-2A>G in individuals affected with Intellectual Developmental Disorder, Autosomal Recessive 81 and no experimental evidence demonstrating its impact on protein function have been reported. ClinVar contains an entry for this variant (Variation ID: 2691852). Based on the evidence outlined above, the variant was classified as likely pathogenic.

Institute of Human Genetics, University of Leipzig Medical Center
Classification: Likely pathogenic for Intellectual developmental disorder, autosomal recessive 81. Last evaluated: 2023-12-05. Review status: criteria provided, single submitter. Criteria: ACMG Guidelines, 2015. Collection method: clinical testing. Allele origin: paternal. Inheritance: Autosomal recessive inheritance. Affected: yes.
Comment: Criteria applied: PVS1_STR,PM2; RNA analysis confirmed loss of exon 10 (heterozygous)

NM_006828.4(ASCC3):c.1597-2A>G

Gene: ASCC3 (activating signal cointegrator 1 complex subunit 3; minus strand). Cytogenetic location: 6q16.3.
Variant type: single nucleotide variant.
Coding change: c.1597-2A>G on transcript NM_006828.4 (MANE Select); the canonical splice acceptor site of the intron before coding-DNA position 1597, A replaced by G.
Molecular consequence: splice acceptor variant.
Genome position (GRCh38, 1-based): chr6:100,766,707, T>C on the plus strand (A>G on the coding strand, the complement: ASCC3 is on the minus strand). VCF-style: chr6-100766707-T-C. GRCh37 (hg19) VCF-style: chr6-101214583-T-C.
Other names: c.1597-2A>G (NM_001284271.2).
Identifiers: ClinVar variation 2691852 (VCV002691852.6), dbSNP rs1781674062, ClinGen allele CA365301055.